The following is an entry in ClinVar:

ClinVar aggregate classification (germline): Uncertain significance. Review status: criteria provided, multiple submitters, no conflicts (2 of 4 stars). 3 submissions from 3 submitters: Uncertain significance (3). Last evaluated 2024-02-27.

Conditions:
Inborn genetic diseases. Identifiers: MedGen C0950123, MeSH D030342.
Saldino-Mainzer syndrome (SRTD9). Also called: Renal dysplasia, retinal pigmentary dystrophy, cerebellar ataxia and skeletal dysplasia; CONORENAL SYNDROME; SHORT-RIB THORACIC DYSPLASIA 9 WITHOUT POLYDACTYLY; short-rib thoracic dysplasia 9 with or without polydactyly. Identifiers: Orphanet 140969, MedGen C1849437, MONDO:0009964, OMIM 266920.

Allele frequency attached by ClinVar (database versions not stated): gnomAD 0.00001; gnomAD exomes 0.00002 and 0.00006; TOPMed 0.00002.
gnomAD v4.1: 96 of 1,613,314 alleles (0.006%); highest among the groups gnomAD compares: Non-Finnish European, 0.0078%; no homozygotes.

Submissions (3):

Blueprint Genetics
Classification: Uncertain significance. Last evaluated: 2024-02-27. Review status: criteria provided, single submitter. Criteria: ACMG Guidelines, 2015. Collection method: clinical testing. Allele origin: germline.

Ambry Genetics
Classification: Uncertain significance for Inborn genetic diseases. Last evaluated: 2022-08-11. Review status: criteria provided, single submitter. Criteria: Ambry Variant Classification Scheme 2023. Collection method: clinical testing. Allele origin: germline.

Labcorp Genetics (formerly Invitae), Labcorp
Classification: Uncertain significance for Saldino-Mainzer syndrome. Last evaluated: 2021-10-16. Review status: criteria provided, single submitter. Criteria: Invitae Variant Classification Sherloc (09022015). Collection method: clinical testing. Allele origin: germline.
Comment: This sequence change replaces glutamic acid with glycine at codon 1391 of the IFT140 protein (p.Glu1391Gly). The glutamic acid residue is weakly conserved and there is a moderate physicochemical difference between glutamic acid and glycine. This variant is not present in population databases (ExAC no frequency). This variant has not been reported in the literature in individuals affected with IFT140-related conditions. Algorithms developed to predict the effect of missense changes on protein structure and function (SIFT, PolyPhen-2, Align-GVGD) all suggest that this variant is likely to be tolerated. In summary, the available evidence is currently insufficient to determine the role of this variant in disease. Therefore, it has been classified as a Variant of Uncertain Significance.

NM_014714.4(IFT140):c.4172A>G (p.Glu1391Gly)

Gene: IFT140 (intraflagellar transport 140; minus strand). Cytogenetic location: 16p13.3.
Variant type: single nucleotide variant.
Coding change: c.4172A>G on transcript NM_014714.4 (MANE Select); coding-DNA position 4172, A replaced by G.
Protein change: p.Glu1391Gly; replaces glutamic acid 1391 with glycine.
Molecular consequence: missense variant.
Genome position (GRCh38, 1-based): chr16:1,518,226, T>C on the plus strand (A>G on the coding strand, the complement: IFT140 is on the minus strand). VCF-style: chr16-1518226-T-C. GRCh37 (hg19) VCF-style: chr16-1568227-T-C.
Other names: c.4172A>G (NM_014714.3); short protein forms E1391G.
Identifiers: ClinVar variation 1398154 (VCV001398154.6), dbSNP rs1386350816, ClinGen allele CA394223564.
Genomic context (GRCh38, chr16:1,518,226, plus strand): 5'-AGGAGCCTTGTGTGGCGGGATGCTGCTAGTGAGCAGCACTCAGGCCTCACCGTCTGGTAT[T>C]CCTCCTTCCGCACGTAGTGCTCCACCAGGAAGCCATAGACGTCCCCGATGCGGATGGTGC-3'
Protein context (NP_055529.2, residues 1381-1401): FLVEHYVRKE[Glu1391Gly]YQTAYRFLEE